The following is an entry in ClinVar:

ClinVar aggregate classification (germline): Uncertain significance (1 of 4 stars; one submission).

Conditions:
Neuronal ceroid lipofuscinosis 7 (CLN7). Also called: MFSD8-Related Neuronal Ceroid-Lipofuscinosis. Identifiers: Orphanet 168491, Orphanet 228366, MedGen C1838571, MONDO:0012588, OMIM 610951.

gnomAD v4.1: 2 of 1,609,922 alleles (0.00012%); highest among the groups gnomAD compares: Non-Finnish European, 0.00017%; no homozygotes.

Submission:

Labcorp Genetics (formerly Invitae), Labcorp
Classification: Uncertain significance for Neuronal ceroid lipofuscinosis 7. Last evaluated: 2025-02-10. Review status: criteria provided, single submitter. Criteria: Invitae Variant Classification Sherloc (09022015). Collection method: clinical testing. Allele origin: germline.
Comment: This sequence change replaces valine, which is neutral and non-polar, with phenylalanine, which is neutral and non-polar, at codon 152 of the MFSD8 protein (p.Val152Phe). This variant is not present in population databases (gnomAD no frequency). This variant has not been reported in the literature in individuals affected with MFSD8-related conditions. ClinVar contains an entry for this variant (Variation ID: 1509203). Invitae Evidence Modeling of protein sequence and biophysical properties (such as structural, functional, and spatial information, amino acid conservation, physicochemical variation, residue mobility, and thermodynamic stability) has been performed for this missense variant. However, the output from this modeling did not meet the statistical confidence thresholds required to predict the impact of this variant on MFSD8 protein function. In summary, the available evidence is currently insufficient to determine the role of this variant in disease. Therefore, it has been classified as a Variant of Uncertain Significance.

NM_001371596.2(MFSD8):c.454G>T (p.Val152Phe)

Gene: MFSD8 (major facilitator superfamily domain containing 8; minus strand). Cytogenetic location: 4q28.2.
Variant type: single nucleotide variant.
Coding change: c.454G>T on transcript NM_001371596.2 (MANE Select); coding-DNA position 454, G replaced by T.
Protein change: p.Val152Phe; replaces valine 152 with phenylalanine.
Molecular consequence: missense variant. On other transcripts: intron variant (4).
Genome position (GRCh38, 1-based): chr4:127,942,144, C>A on the plus strand (G>T on the coding strand, the complement: MFSD8 is on the minus strand). VCF-style: chr4-127942144-C-A. GRCh37 (hg19) VCF-style: chr4-128863299-C-A.
Other names: c.454G>T, p.Val152Phe (NM_001363520.3, NM_001371591.2, NM_001371592.2 and 2 more transcripts); c.319G>T, p.Val107Phe (NM_001371590.2, NM_001371595.1); c.304+1608G>T (NM_001410765.1); c.439+1608G>T (NM_001363521.3, NM_001410766.1, NM_001371593.2); short protein forms V152F, V107F.
Identifiers: ClinVar variation 1509203 (VCV001509203.5), dbSNP rs2148915793, ClinGen allele CA358176466.